The following is an entry in ClinVar:

ClinVar aggregate classification (germline): Benign. Review status: criteria provided, multiple submitters, no conflicts (2 of 4 stars). 2 submissions from 2 submitters: Benign (2). Last evaluated 2018-06-16.

Allele frequency attached by ClinVar (database versions not stated): gnomAD exomes 0.00221; gnomAD 0.02049 and 0.02202; 1000 Genomes Project 0.02117; 1000 Genomes Project 30x 0.02155; TOPMed 0.02224.
gnomAD v4.1: 5,184 of 1,061,480 alleles (0.49%); highest among the groups gnomAD compares: African/African-American, 7%; 176 homozygotes.

Submissions (2):

GeneDx
Classification: Benign. Last evaluated: 2018-06-16. Review status: criteria provided, single submitter. Criteria: GeneDx Variant Classification (06012015). Collection method: clinical testing. Allele origin: germline. Affected: yes.
Comment: This variant is considered likely benign or benign based on one or more of the following criteria: it is a conservative change, it occurs at a poorly conserved position in the protein, it is predicted to be benign by multiple in silico algorithms, and/or has population frequency not consistent with disease.

Breakthrough Genomics
Classification: Benign. Review status: criteria provided, single submitter. Criteria: ACMG Guidelines, 2015. Collection method: not provided. Allele origin: germline. Inheritance: Autosomal recessive inheritance. Affected: yes.

NM_006440.5(TXNRD2):c.529-118C>G

Gene: TXNRD2 (thioredoxin reductase 2; minus strand). Cytogenetic location: 22q11.21.
Variant type: single nucleotide variant.
Coding change: c.529-118C>G on transcript NM_006440.5 (MANE Select); 118 bases into the intron before coding-DNA position 529, C replaced by G.
Molecular consequence: intron variant.
Genome position (GRCh38, 1-based): chr22:19,915,394, G>C on the plus strand (C>G on the coding strand, the complement: TXNRD2 is on the minus strand). VCF-style: chr22-19915394-G-C. GRCh37 (hg19) VCF-style: chr22-19902917-G-C.
Other names: c.526-118C>G (NM_001352300.2); c.241-118C>G (NM_001352302.2); c.439-118C>G (NM_001352301.2); c.529-118C>G (NM_001282512.3); c.433-118C>G (NM_001352303.2).
Identifiers: ClinVar variation 679052 (VCV000679052.2), dbSNP rs114905700, ClinGen allele CA322105175.
Genomic context (GRCh38, chr22:19,915,394, plus strand): 5'-GAGGGCCTGAGCACCACAGACCTTGGCCAGCAGTTCCCACGGCCCCTGCCCTGTAGCGTG[G>C]ACCCTTGGCCAGCAGTTCAGAGGCCCTATGGAGCTGGAATCCCATCAACCATCAGCCTGG-3'